The following is an entry in ClinVar:

ClinVar aggregate classification (germline): Pathogenic (1 of 4 stars; one submission).

Conditions:
Intellectual developmental disorder, autosomal dominant 51. Also called: Intellectual disability, autosomal dominant 51; MENTAL RETARDATION, AUTOSOMAL DOMINANT 51. Identifiers: Orphanet 684226, MedGen C4540474, MONDO:0030917, OMIM 617788.

Submission:

Victorian Clinical Genetics Services, Murdoch Childrens Research Institute
Classification: Pathogenic for Intellectual developmental disorder, autosomal dominant 51. Last evaluated: 2024-10-10. Review status: criteria provided, single submitter. Criteria: ACMG Guidelines, 2015. Collection method: clinical testing. Allele origin: germline. Inheritance: Autosomal dominant inheritance. Affected: yes.
Comment: Based on the classification scheme VCGS_Germline_v1.3.5, this variant is classified as Pathogenic. Following criteria are met: 0102 - Loss of function is a known mechanism of disease in this gene and is associated with autosomal dominant intellectual developmental disorder 51 (MIM#617788). (I) 0107 - This gene is associated with autosomal dominant disease. (I) 0115 - Variants in this gene are known to have variable expressivity (PMID: 35433545). (I) 0201 - Variant is predicted to cause nonsense-mediated decay (NMD) and loss of protein (premature termination codon is located at least 54 nucleotides upstream of the final exon-exon junction). (SP) 0251 - This variant is heterozygous. (I) 0301 - Variant is absent from gnomAD (v2, v3 and v4). (SP) 0701 - Other NMD-predicted variants comparable to the one identified in this case have very strong previous evidence for pathogenicity (DECIPHER). (SP) 0807 - This variant has no previous evidence of pathogenicity. (I) 0905 - No published segregation evidence has been identified for this variant. (I) 1007 - No published functional evidence has been identified for this variant. (SP) Legend: (SP) - Supporting pathogenic, (I) - Information, (SB) - Supporting benign

Literature cited by the submitters: PubMed 35433545.

NM_017635.5(KMT5B):c.973G>T (p.Glu325Ter)

Gene: KMT5B (lysine methyltransferase 5B; minus strand). Cytogenetic location: 11q13.2.
Variant type: single nucleotide variant.
Coding change: c.973G>T on transcript NM_017635.5 (MANE Select); coding-DNA position 973, G replaced by T.
Protein change: p.Glu325Ter; replaces glutamic acid 325 with a stop codon.
Molecular consequence: nonsense. On other transcripts: non-coding transcript variant (3).
Genome position (GRCh38, 1-based): chr11:68,171,019, C>A on the plus strand (G>T on the coding strand, the complement: KMT5B is on the minus strand). VCF-style: chr11-68171019-C-A. GRCh37 (hg19) VCF-style: chr11-67938486-C-A.
Other names: c.457G>T, p.Glu153Ter (NM_001300907.1, NM_001369424.1, NM_001369428.1 and 5 more transcripts); c.253G>T, p.Glu85Ter (NM_001300908.2); c.904G>T, p.Glu302Ter (NM_001300909.2); c.973G>T, p.Glu325Ter (NM_001363566.2, NM_001369426.1, NM_001369427.1 and 1 more transcripts); c.760G>T, p.Glu254Ter (NM_001369425.1); short protein forms E153*, E254*, E302*, E325*, E85*.
Identifiers: ClinVar variation 3377205 (VCV003377205.1).